The following is an entry in ClinVar:

NM_002516.4(NOVA2):c.1000G>A (p.Ala334Thr)

Gene: NOVA2 (NOVA alternative splicing regulator 2; minus strand). Cytogenetic location: 19q13.32.
Variant type: single nucleotide variant.
Coding change: c.1000G>A on transcript NM_002516.4 (MANE Select); coding-DNA position 1000, G replaced by A.
Protein change: p.Ala334Thr; replaces alanine 334 with threonine.
Molecular consequence: missense variant.
Genome position (GRCh38, 1-based): chr19:45,940,342, C>T on the plus strand (G>A on the coding strand, the complement: NOVA2 is on the minus strand). VCF-style: chr19-45940342-C-T. GRCh37 (hg19) VCF-style: chr19-46443600-C-T.
Other names: c.1000G>A (NM_002516.3); short protein forms A334T.
Identifiers: ClinVar variation 2352957 (VCV002352957.7), dbSNP rs1163590970, ClinGen allele CA406433282.
Genomic context (GRCh38, chr19:45,940,342, plus strand): 5'-CCAGGGCTCCGGGAGGCGGGGGCGGCGGCGGGGCGGCCCCTCCGGCTGGCCCGGCCCCGG[C>T]CTCGCCCGCGTAGGATGCCAGGAGGTTGGCGGCGGCGGCGGCTGCTGGGTTGGCCCCGGC-3'
Protein context (NP_002507.1, residues 324-344): ANLLASYAGE[Ala334Thr]GAGPAGGAAP

ClinVar aggregate classification (germline): Conflicting classifications of pathogenicity. Review status: criteria provided, conflicting classifications (1 of 4 stars). 3 submissions from 3 submitters: Uncertain significance (1); Likely benign (1). 1 of the submissions does not count toward it. Last evaluated 2026-04-01.

Conditions:
NOVA2-related disorder. Also called: NOVA2-related condition.
Inborn genetic diseases. Identifiers: MedGen C0950123, MeSH D030342.

Allele frequency attached by ClinVar (database versions not stated): gnomAD 0.00002; gnomAD exomes 0.00004; TOPMed 0.00005.

Submissions (3):

CeGaT Center for Human Genetics Tuebingen
Classification: Likely benign. Last evaluated: 2026-04-01. Review status: criteria provided, single submitter. Criteria: CeGaT Center For Human Genetics Tuebingen Variant Classification Criteria Version 2. Collection method: clinical testing. Allele origin: germline. Affected: yes. Observed: 1 variant allele.
Comment: NOVA2: PP2, BS2

Ambry Genetics
Classification: Uncertain significance for Inborn genetic diseases. Last evaluated: 2025-02-25. Review status: criteria provided, single submitter. Criteria: Ambry Variant Classification Scheme 2023. Collection method: clinical testing. Allele origin: germline.

PreventionGenetics, part of Exact Sciences
Classification: Likely benign for NOVA2-related condition. Last evaluated: 2023-10-18. Review status: no assertion criteria provided. Collection method: clinical testing. Allele origin: germline. Not counted in ClinVar's aggregate classification.
Comment: This variant is classified as likely benign based on ACMG/AMP sequence variant interpretation guidelines (Richards et al. 2015 PMID: 25741868, with internal and published modifications).